The following is an entry in ClinVar:

ClinVar aggregate classification (germline): Likely pathogenic (1 of 4 stars; one submission).

Conditions:
Cystic fibrosis (CF). Also called: MUCOVISCIDOSIS. Identifiers: Orphanet 586, MedGen C0010674, MONDO:0009061, OMIM 219700. Disease mechanism: loss of function.

Submission:

Labcorp Genetics (formerly Invitae), Labcorp
Classification: Likely pathogenic for Cystic fibrosis. Last evaluated: 2020-10-31. Review status: criteria provided, single submitter. Criteria: Invitae Variant Classification Sherloc (09022015). Collection method: clinical testing. Allele origin: germline.
Comment: In summary, the currently available evidence indicates that the variant is pathogenic, but additional data are needed to prove that conclusively. Therefore, this variant has been classified as Likely Pathogenic. This variant disrupts the p.Arg851 amino acid residue in CFTR. Other variant(s) that disrupt this residue have been determined to be pathogenic (PMID: 27086061, 9598638, 10794365). This suggests that this residue is clinically significant, and that variants that disrupt this residue are likely to be disease-causing. Experimental studies and prediction algorithms are not available or were not evaluated, and the effect of this variant on mRNA splicing is currently unknown. This variant has not been reported in the literature in individuals with CFTR-related conditions. This variant is a gross deletion of the genomic region encompassing exon(s) 15 of the CFTR gene. This variant would be expected to be in-frame, preserving the integrity of the reading frame.

Literature cited by the submitters: PubMed 27086061; PubMed 9598638; PubMed 10794365.

NC_000007.13:g.(?_117234961)_(117235122_?)del

Gene: CFTR (CF transmembrane conductance regulator; plus strand). Cytogenetic location: 7q31.2.
Variant type: Deletion.
Identifiers: ClinVar variation 1498247 (VCV001498247.6).